The following is an entry in ClinVar:

ClinVar aggregate classification (germline): Uncertain significance (1 of 4 stars; one submission).

Conditions:
Hereditary cancer-predisposing syndrome. Also called: Neoplastic Syndromes, Hereditary; Tumor predisposition; Hereditary neoplastic syndrome; Hereditary Cancer Syndrome. Identifiers: Orphanet 140162, MedGen C0027672, MeSH D009386, MONDO:0015356.

Submission:

Ambry Genetics
Classification: Uncertain significance for Hereditary cancer-predisposing syndrome. Last evaluated: 2024-04-28. Review status: criteria provided, single submitter. Criteria: Ambry Variant Classification Scheme 2023. Collection method: clinical testing. Allele origin: germline.
Comment: The p.Q431L variant (also known as c.1292A>T), located in coding exon 7 of the RET gene, results from an A to T substitution at nucleotide position 1292. The glutamine at codon 431 is replaced by leucine, an amino acid with dissimilar properties. This amino acid position is conserved. In addition, this alteration is predicted to be tolerated by in silico analysis. Based on the available evidence, the clinical significance of this variant remains unclear.

NM_020975.6(RET):c.1292A>T (p.Gln431Leu)

Gene: RET (ret proto-oncogene; plus strand). Cytogenetic location: 10q11.21.
Variant type: single nucleotide variant.
Coding change: c.1292A>T on transcript NM_020975.6 (MANE Select); coding-DNA position 1292, A replaced by T.
Protein change: p.Gln431Leu; replaces glutamine 431 with leucine.
Molecular consequence: missense variant. On other transcripts: intron variant (15).
Genome position (GRCh38, 1-based): chr10:43,111,235, A>T. VCF-style: chr10-43111235-A-T. GRCh37 (hg19) VCF-style: chr10-43606683-A-T.
Other names: c.530A>T, p.Gln177Leu (NM_001355216.2); c.1292A>T, p.Gln431Leu (NM_001406743.1, NM_001406744.1, NM_001406759.1 and 4 more transcripts); c.1163A>T, p.Gln388Leu (NM_001406761.1, NM_001406762.1, NM_001406764.1 and 1 more transcripts); c.1004A>T, p.Gln335Leu (NM_001406766.1, NM_001406767.1, NM_001406770.1); c.302A>T, p.Gln101Leu (NM_001406784.1); c.626-864A>T (NM_001406782.1, NM_001406780.1, NM_001406779.1 and 3 more transcripts); c.497-864A>T (NM_001406786.1, NM_001406783.1); c.338-864A>T (NM_001406790.1, NM_001406788.1, NM_001406789.1 and 1 more transcripts); and 5 more; short protein forms Q431L, Q177L, Q189L, Q285L, Q335L, Q101L, Q256L, Q388L.
Identifiers: ClinVar variation 3313730 (VCV003313730.1).